The following is an entry in ClinVar:

NM_002474.3(MYH11):c.4779A>C (p.Gln1593His)

Genes: MYH11 (myosin heavy chain 11; minus strand), NDE1 (nudE neurodevelopment protein 1; plus strand). Cytogenetic location: 16p13.11.
Variant type: single nucleotide variant.
Coding change: c.4779A>C on transcript NM_002474.3 (MANE Select); coding-DNA position 4779, A replaced by C.
Protein change: p.Gln1593His; replaces glutamine 1593 with histidine.
Molecular consequence: missense variant. On other transcripts: intron variant (2).
Genome position (GRCh38, 1-based): chr16:15,720,851, T>G on the plus strand (A>C on the coding strand, the complement: MYH11 is on the minus strand). VCF-style: chr16-15720851-T-G. GRCh37 (hg19) VCF-style: chr16-15814708-T-G.
Other names: c.4800A>C, p.Gln1600His (NM_001040113.2, NM_001040114.2); c.4779A>C, p.Gln1593His (NM_022844.3); c.948-3340T>G (NM_001143979.2, NM_017668.3); short protein forms Q1593H, Q1600H.
Identifiers: ClinVar variation 3400632 (VCV003400632.1).

ClinVar aggregate classification (germline): Uncertain significance (1 of 4 stars; one submission).

Conditions:
Familial thoracic aortic aneurysm and aortic dissection (TAAD). Also called: Thoracic aortic aneurysms and dissections. Identifiers: Orphanet 91387, MedGen C4707243, MONDO:0019625.

Submission:

Ambry Genetics
Classification: Uncertain significance for Familial thoracic aortic aneurysm and aortic dissection. Last evaluated: 2024-08-19. Review status: criteria provided, single submitter. Criteria: Ambry Variant Classification Scheme 2023. Collection method: clinical testing. Allele origin: germline.
Comment: The p.Q1593H variant (also known as c.4779A>C), located in coding exon 32 of the MYH11 gene, results from an A to C substitution at nucleotide position 4779. The glutamine at codon 1593 is replaced by histidine, an amino acid with highly similar properties. This amino acid position is conserved. In addition, this alteration is predicted to be tolerated by in silico analysis. Based on the available evidence, the clinical significance of this variant remains unclear.